The following is an entry in ClinVar:

NM_000520.6(HEXA):c.1321G>A (p.Ala441Thr)

Gene: HEXA (hexosaminidase subunit alpha; minus strand). Cytogenetic location: 15q23.
Variant type: single nucleotide variant.
Coding change: c.1321G>A on transcript NM_000520.6 (MANE Select); coding-DNA position 1321, G replaced by A.
Protein change: p.Ala441Thr; replaces alanine 441 with threonine.
Molecular consequence: missense variant.
Genome position (GRCh38, 1-based): chr15:72,346,536, C>T on the plus strand (G>A on the coding strand, the complement: HEXA is on the minus strand). VCF-style: chr15-72346536-C-T. GRCh37 (hg19) VCF-style: chr15-72638877-C-T.
Other names: c.1354G>A, p.Ala452Thr (NM_001318825.2); short protein forms A452T, A441T.
Identifiers: ClinVar variation 1413507 (VCV001413507.5), dbSNP rs2140320582, ClinGen allele CA393060373.

ClinVar aggregate classification (germline): Uncertain significance (1 of 4 stars; one submission).

Conditions:
Tay-Sachs disease (TSD). Also called: HEXA DEFICIENCY; GM2 gangliosidosis, type 1; Hexosaminidase alpha-subunit deficiency (variant B); Sphingolipidosis, Tay-Sachs; HEXA Disorders; Hexosaminidase A Deficiency. Identifiers: Orphanet 845, MedGen C0039373, MONDO:0010100, OMIM 272800.

gnomAD v4.1: 1 of 1,613,906 alleles (0.000062%); highest among the groups gnomAD compares: Non-Finnish European, 0.000085%; no homozygotes.

Submission:

Labcorp Genetics (formerly Invitae), Labcorp
Classification: Uncertain significance for Tay-Sachs disease. Last evaluated: 2021-08-24. Review status: criteria provided, single submitter. Criteria: Invitae Variant Classification Sherloc (09022015). Collection method: clinical testing. Allele origin: germline.
Comment: This sequence change replaces alanine with threonine at codon 441 of the HEXA protein (p.Ala441Thr). The alanine residue is weakly conserved and there is a small physicochemical difference between alanine and threonine. This variant is not present in population databases (ExAC no frequency). This variant has not been reported in the literature in individuals affected with HEXA-related conditions. Algorithms developed to predict the effect of missense changes on protein structure and function (SIFT, PolyPhen-2, Align-GVGD) all suggest that this variant is likely to be tolerated. In summary, the available evidence is currently insufficient to determine the role of this variant in disease. Therefore, it has been classified as a Variant of Uncertain Significance.